The following is an entry in ClinVar:

NM_002485.5(NBN):c.1846C>G (p.Gln616Glu)

Genes: NBN (nibrin; minus strand), LOC126860438 (MED14-independent group 3 enhancer GRCh37_chr8:90959982-90961181; plus strand). Cytogenetic location: 8q21.3.
Variant type: single nucleotide variant.
Coding change: c.1846C>G on transcript NM_002485.5 (MANE Select); coding-DNA position 1846, C replaced by G.
Protein change: p.Gln616Glu; replaces glutamine 616 with glutamic acid.
Molecular consequence: missense variant.
Genome position (GRCh38, 1-based): chr8:89,947,892, G>C on the plus strand (C>G on the coding strand, the complement: NBN is on the minus strand). VCF-style: chr8-89947892-G-C. GRCh37 (hg19) VCF-style: chr8-90960120-G-C.
Other names: c.1600C>G, p.Gln534Glu (NM_001024688.3); short protein forms Q616E, Q534E.
Identifiers: ClinVar variation 820186 (VCV000820186.4), dbSNP rs1586043842, ClinGen allele CA371677327.

ClinVar aggregate classification (germline): Uncertain significance (1 of 4 stars; one submission).

Conditions:
Hereditary cancer-predisposing syndrome. Also called: Neoplastic Syndromes, Hereditary; Tumor predisposition; Hereditary Cancer Syndrome; Hereditary neoplastic syndrome. Identifiers: Orphanet 140162, MedGen C0027672, MeSH D009386, MONDO:0015356.

Submission:

Ambry Genetics
Classification: Uncertain significance for Hereditary cancer-predisposing syndrome. Last evaluated: 2018-12-13. Review status: criteria provided, single submitter. Criteria: Ambry Variant Classification Scheme 2023. Collection method: clinical testing. Allele origin: germline.
Comment: The p.Q616E variant (also known as c.1846C>G) is located in coding exon 12 of the NBN gene. The glutamine at codon 616 is replaced by glutamic acid, an amino acid with highly similar properties. This change occurs in the first base pair of coding exon 12. This amino acid position is well conserved in available vertebrate species. In addition, this alteration is predicted to be tolerated by in silico analysis. Since supporting evidence is limited at this time, the clinical significance of this alteration remains unclear.